The following is an entry in ClinVar:

NC_000015.9:g.(?_100794321)_(100794404_?)del

Gene: ADAMTS17 (ADAM metallopeptidase with thrombospondin type 1 motif 17; minus strand). Cytogenetic location: 15q26.3.
Variant type: Deletion.
Identifiers: ClinVar variation 3243912 (VCV003243912.1).

ClinVar aggregate classification (germline): Pathogenic (1 of 4 stars; one submission).

Submission:

Labcorp Genetics (formerly Invitae), Labcorp
Classification: Pathogenic. Last evaluated: 2023-08-04. Review status: criteria provided, single submitter. Criteria: Invitae Variant Classification Sherloc (09022015). Collection method: clinical testing. Allele origin: unknown.
Comment: For these reasons, this variant has been classified as Pathogenic. This variant has not been reported in the literature in individuals affected with ADAMTS17-related conditions. This variant is a gross deletion of the genomic region encompassing exon(s) 7 of the ADAMTS17 gene. This deletion is out-of-frame, and is expected to create a premature termination codon and result in an absent or disrupted protein product. Loss-of-function variants in ADAMTS17 are known to be pathogenic (PMID: 19836009, 24940034).

Literature cited by the submitters: PubMed 19836009; PubMed 24940034.